The following is an entry in ClinVar:

NM_002485.5(NBN):c.*2129G>T

Gene: NBN (nibrin; minus strand). Cytogenetic location: 8q21.3.
Variant type: single nucleotide variant.
Coding change: c.*2129G>T on transcript NM_002485.5 (MANE Select); 2129 bases downstream of the stop codon, G replaced by T.
Molecular consequence: 3 prime UTR variant.
Genome position (GRCh38, 1-based): chr8:89,933,453, C>A on the plus strand (G>T on the coding strand, the complement: NBN is on the minus strand). VCF-style: chr8-89933453-C-A. GRCh37 (hg19) VCF-style: chr8-90945681-C-A.
Other names: c.*2129G>T (NM_001024688.3).
Identifiers: ClinVar variation 908958 (VCV000908958.12), dbSNP rs117807915, ClinGen allele CA181266278.

ClinVar aggregate classification (germline): Benign/Likely benign. Review status: criteria provided, multiple submitters, no conflicts (2 of 4 stars). 2 submissions from 2 submitters: Benign (1); Likely benign (1). Last evaluated 2026-09-01.

Conditions:
Microcephaly, normal intelligence and immunodeficiency (NBS). Also called: Ataxia telangiectasia variant V1; SEEMANOVA SYNDROME II; IMMUNODEFICIENCY, MICROCEPHALY, AND CHROMOSOMAL INSTABILITY; BERLIN BREAKAGE SYNDROME; Nijmegen breakage syndrome; Microcephaly with normal intelligence immunodeficiency and lymphoreticular malignancies. Identifiers: Orphanet 647, MedGen C0398791, MONDO:0009623, OMIM 251260.

Allele frequency attached by ClinVar (database versions not stated): 1000 Genomes Project 0.00379; 1000 Genomes Project 30x 0.00390; TOPMed 0.01160; gnomAD 0.01227 and 0.01258; gnomAD exomes 0.01415.
gnomAD v4.1: 2,946 of 228,966 alleles (1.3%); highest among the groups gnomAD compares: Non-Finnish European, 2.1%; 48 homozygotes.

Submissions (2):

CeGaT Center for Human Genetics Tuebingen
Classification: Benign. Last evaluated: 2026-09-01. Review status: criteria provided, single submitter. Criteria: CeGaT Center For Human Genetics Tuebingen Variant Classification Criteria Version 2. Collection method: clinical testing. Allele origin: germline. Affected: yes. Observed: 42 variant alleles.
Comment: NBN: BS1, BS2

Illumina Laboratory Services, Illumina
Classification: Likely benign for Microcephaly, normal intelligence and immunodeficiency. Last evaluated: 2018-01-13. Review status: criteria provided, single submitter. Criteria: ICSL Variant Classification Criteria 13 December 2019. Collection method: clinical testing. Allele origin: germline.
Comment: This variant was observed in the ICSL laboratory as part of a predisposition screen in an ostensibly healthy population. It had not been previously curated by ICSL or reported in the Human Gene Mutation Database (HGMD: prior to June 1st, 2018), and was therefore a candidate for classification through an automated scoring system. Utilizing variant allele frequency, disease prevalence and penetrance estimates, and inheritance mode, an automated score was calculated to assess if this variant is too frequent to cause the disease. Based on the score and internal cut-off values, a variant classified as likely benign is not then subjected to further curation. The score for this variant resulted in a classification of likely benign for this disease.